The following is an entry in ClinVar:

ClinVar aggregate classification (germline): Uncertain significance. Review status: criteria provided, multiple submitters, no conflicts (2 of 4 stars). 2 submissions from 2 submitters: Uncertain significance (2). Last evaluated 2022-06-20.

Conditions:
Inborn genetic diseases. Identifiers: MedGen C0950123, MeSH D030342.

Allele frequency attached by ClinVar (database versions not stated): gnomAD exomes 0.00001 and 0.00002; ExAC 0.00002.
gnomAD v4.1: 17 of 1,597,526 alleles (0.0011%); highest among the groups gnomAD compares: Admixed American, 0.0071%; no homozygotes.

Submissions (2):

Labcorp Genetics (formerly Invitae), Labcorp
Classification: Uncertain significance. Last evaluated: 2022-06-20. Review status: criteria provided, single submitter. Criteria: Invitae Variant Classification Sherloc (09022015). Collection method: clinical testing. Allele origin: germline.
Comment: This sequence change replaces leucine, which is neutral and non-polar, with phenylalanine, which is neutral and non-polar, at codon 532 of the SEC63 protein (p.Leu532Phe). The frequency data for this variant in the population databases is considered unreliable, as metrics indicate poor data quality at this position in the gnomAD database. This variant has not been reported in the literature in individuals affected with SEC63-related conditions. Algorithms developed to predict the effect of missense changes on protein structure and function (SIFT, PolyPhen-2, Align-GVGD) all suggest that this variant is likely to be tolerated. In summary, the available evidence is currently insufficient to determine the role of this variant in disease. Therefore, it has been classified as a Variant of Uncertain Significance.

Ambry Genetics
Classification: Uncertain significance for Inborn genetic diseases. Last evaluated: 2021-09-17. Review status: criteria provided, single submitter. Criteria: Ambry Variant Classification Scheme 2023. Collection method: clinical testing. Allele origin: germline.

NM_007214.5(SEC63):c.1596A>T (p.Leu532Phe)

Gene: SEC63 (SEC63 protein translocation regulator; minus strand). Cytogenetic location: 6q21.
Variant type: single nucleotide variant.
Coding change: c.1596A>T on transcript NM_007214.5 (MANE Select); coding-DNA position 1596, A replaced by T.
Protein change: p.Leu532Phe; replaces leucine 532 with phenylalanine.
Molecular consequence: missense variant.
Genome position (GRCh38, 1-based): chr6:107,893,560, T>A on the plus strand (A>T on the coding strand, the complement: SEC63 is on the minus strand). VCF-style: chr6-107893560-T-A. GRCh37 (hg19) VCF-style: chr6-108214764-T-A.
Other names: c.1596A>T (NM_007214.4); short protein forms L532F.
Identifiers: ClinVar variation 1425756 (VCV001425756.7), dbSNP rs756336859, ClinGen allele CA3947329.